The following is an entry in ClinVar:

ClinVar aggregate classification (germline): Uncertain significance (1 of 4 stars; one submission).

Conditions:
Pitt-Hopkins-like syndrome 2 (PTHSL2). Identifiers: Orphanet 221150, Orphanet 600663, MedGen C3280479, MONDO:0013690, OMIM 614325.

Allele frequency attached by ClinVar (database versions not stated): gnomAD exomes below 0.00001 and 0.00001; gnomAD 0.00001.
gnomAD v4.1: 12 of 1,611,900 alleles (0.00074%); highest among the groups gnomAD compares: Non-Finnish European, 0.00093%; no homozygotes.

Submission:

Labcorp Genetics (formerly Invitae), Labcorp
Classification: Uncertain significance for Pitt-Hopkins-like syndrome 2. Last evaluated: 2023-08-24. Review status: criteria provided, single submitter. Criteria: Invitae Variant Classification Sherloc (09022015). Collection method: clinical testing. Allele origin: germline.
Comment: In summary, the available evidence is currently insufficient to determine the role of this variant in disease. Therefore, it has been classified as a Variant of Uncertain Significance. An algorithm developed to predict the effect of missense changes on protein structure and function (PolyPhen-2) suggests that this variant is likely to be tolerated. ClinVar contains an entry for this variant (Variation ID: 1365810). This variant has not been reported in the literature in individuals affected with NRXN1-related conditions. The frequency data for this variant in the population databases is considered unreliable, as metrics indicate poor data quality at this position in the gnomAD database. This sequence change replaces threonine, which is neutral and polar, with isoleucine, which is neutral and non-polar, at codon 1075 of the NRXN1 protein (p.Thr1075Ile).

NM_001330078.2(NRXN1):c.3104C>T (p.Thr1035Ile)

Gene: NRXN1 (neurexin 1; minus strand). Cytogenetic location: 2p16.3.
Variant type: single nucleotide variant.
Coding change: c.3104C>T on transcript NM_001330078.2 (MANE Select); coding-DNA position 3104, C replaced by T.
Protein change: p.Thr1035Ile; replaces threonine 1035 with isoleucine.
Molecular consequence: missense variant.
Genome position (GRCh38, 1-based): chr2:50,472,438, G>A on the plus strand (C>T on the coding strand, the complement: NRXN1 is on the minus strand). VCF-style: chr2-50472438-G-A. GRCh37 (hg19) VCF-style: chr2-50699576-G-A.
Other names: c.3104C>T, p.Thr1035Ile (NM_001330086.2, NM_004801.6); c.2993C>T, p.Thr998Ile (NM_001330087.2, NM_001330096.2); c.3023C>T, p.Thr1008Ile (NM_001330088.2); c.3101C>T, p.Thr1034Ile (NM_001330093.2); c.3092C>T, p.Thr1031Ile (NM_001330094.2); c.3053C>T, p.Thr1018Ile (NM_001330095.2); c.3224C>T, p.Thr1075Ile (NM_001135659.3); c.3080C>T, p.Thr1027Ile (NM_001330077.2, NM_001330082.2); and 2 more; short protein forms T1013I, T1018I, T1031I, T1035I, T1026I, T1034I, T1008I, T1027I.
Identifiers: ClinVar variation 1365810 (VCV001365810.6), dbSNP rs1361933734, ClinGen allele CA346772703.